The following is an entry in ClinVar:

NM_030632.3(ASXL3):c.4233G>A (p.Pro1411=)

Gene: ASXL3 (ASXL transcriptional regulator 3; plus strand). Cytogenetic location: 18q12.1.
Variant type: single nucleotide variant.
Coding change: c.4233G>A on transcript NM_030632.3 (MANE Select); coding-DNA position 4233, G replaced by A.
Protein change: p.Pro1411=; no amino-acid change (proline 1411 retained).
Molecular consequence: synonymous variant.
Genome position (GRCh38, 1-based): chr18:33,744,081, G>A. VCF-style: chr18-33744081-G-A. GRCh37 (hg19) VCF-style: chr18-31324045-G-A.
Identifiers: ClinVar variation 5039018 (VCV005039018.1).
Genomic context (GRCh38, chr18:33,744,081, plus strand): 5'-GAGAGCAGCCCTCAGCTGCAGTGATTCTGTAGCGGTCACAGACTCTCTGGTTGCACACCC[G>A]ACCGTCGCAATGTTTACTGGAAACATGCTGACAATAAACTCTTATGATAGTCCTCCCAAG-3'
Protein context (NP_085135.1, residues 1401-1421): VAVTDSLVAH[Pro1411=]TVAMFTGNML

ClinVar aggregate classification (germline): Likely benign (1 of 4 stars; one submission).

gnomAD v4.1: 16 of 1,613,964 alleles (0.00099%); highest among the groups gnomAD compares: African/African-American, 0.0053%; no homozygotes.

Submission:

CeGaT Center for Human Genetics Tuebingen
Classification: Likely benign. Last evaluated: 2026-08-01. Review status: criteria provided, single submitter. Criteria: CeGaT Center For Human Genetics Tuebingen Variant Classification Criteria Version 2. Collection method: clinical testing. Allele origin: germline. Affected: yes. Observed: 1 variant allele.
Comment: ASXL3: BP4, BP7